The following is an entry in ClinVar:

NC_000009.12:g.127814980_127830815del

Genes: ENG (endoglin; minus strand), LOC102723566 (uncharacterized LOC102723566; plus strand). Cytogenetic location: 9q34.11.
Variant type: Deletion.
Identifiers: ClinVar variation 982458 (VCV000982458.1).

ClinVar aggregate classification (germline): Pathogenic (1 of 4 stars; one submission).

Conditions:
Telangiectasia, hereditary hemorrhagic, type 1 (HHT1). Also called: Osler Weber Rendu syndrome type 1; ENG-Related Hereditary Hemorrhagic Telangiectasia. Identifiers: Orphanet 774, MedGen C4551861, MONDO:0008535, OMIM 187300. Disease mechanism: loss of function.

Submission:

NIHR Bioresource Rare Diseases, University of Cambridge
Classification: Pathogenic for Telangiectasia, hereditary hemorrhagic, type 1. Last evaluated: 2018-01-01. Review status: criteria provided, single submitter. Criteria: ACMG Guidelines, 2015. Collection method: research. Allele origin: unknown. Affected: yes. Observed: 1 variant allele.
Comment: PVS1+PM2+PP4

Literature cited by the submitters: PubMed 32573726.